The following is an entry in ClinVar:

NM_024675.4(PALB2):c.1416_1431del (p.Gln472fs)

Gene: PALB2 (partner and localizer of BRCA2; minus strand). Cytogenetic location: 16p12.2.
Variant type: Deletion.
Coding change: c.1416_1431del on transcript NM_024675.4 (MANE Select); coding-DNA positions 1416 to 1431, 16 bases deleted (ACCAAGTTCAAGAACC).
Protein change: p.Gln472fs; shifts the reading frame from glutamine 472.
Molecular consequence: frameshift variant. On other transcripts: intron variant (3).
Genome position (GRCh38, 1-based): chr16:23,635,115-23,635,130, GGTTCTTGAACTTGGT deleted on the plus strand (ACCAAGTTCAAGAACC on the coding strand, the reverse complement: PALB2 is on the minus strand). VCF-style (leftmost placement, unchanged base first): chr16-23635114-AGGTTCTTGAACTTGGT-A. GRCh37 (hg19) VCF-style: chr16-23646435-AGGTTCTTGAACTTGGT-A.
Other names: c.1356_1371del, p.Gln452fs (NM_001407296.1); c.1416_1431del, p.Gln472fs (NM_001407297.1, NM_001407298.1, NM_001407299.1 and 3 more transcripts); c.531_546del, p.Gln177fs (NM_001407304.1, NM_001407305.1, NM_001407306.1 and 5 more transcripts); c.49-5855_49-5840del (NM_001407314.1); c.-104-4661_-104-4646del (NM_001407313.1, NM_001407312.1); short protein forms Q177fs, Q452fs, Q472fs.
Identifiers: ClinVar variation 2674157 (VCV002674157.1), dbSNP rs2506477824, ClinGen allele CA2695197475.
Genomic context (GRCh38, chr16:23,635,114, plus strand): 5'-CATTATCTTCAGTGGGCCCAGCGGGAGAGCTGACTTTAGTTAATGAGAGAAGTTTCTGAG[AGGTTCTTGAACTTGGT>A]TGTCCTGTGCATGTGCCAGACATCCTAATTTCACTTTGGTCAGTTTCCTCATTGGAAAGG-3'

ClinVar aggregate classification (germline): Pathogenic (1 of 4 stars; one submission).

Conditions:
Familial cancer of breast. Also called: Hereditary breast cancer; BREAST CANCER, FAMILIAL; hereditary breast carcinoma. Identifiers: Orphanet 227535, MedGen C0346153, MONDO:0016419, OMIM 114480. Disease mechanism: loss of function.

Submission:

Myriad Genetics, Inc.
Classification: Pathogenic for Familial cancer of breast. Last evaluated: 2023-09-08. Review status: criteria provided, single submitter. Criteria: Myriad Autosomal Dominant, Autosomal Recessive and X-Linked Classification Criteria (2023). Collection method: clinical testing. Allele origin: unknown.
Comment: This variant is considered pathogenic. This variant creates a frameshift predicted to result in premature protein truncation.